The following is an entry in ClinVar:

ClinVar aggregate classification (germline): Uncertain significance (1 of 4 stars; one submission).

Conditions:
Hereditary spastic paraplegia 6 (SPG6). Also called: SPASTIC PARAPLEGIA 6, AUTOSOMAL DOMINANT. Identifiers: Orphanet 100988, MedGen C1838192, MONDO:0010878, OMIM 600363.

Allele frequency attached by ClinVar (database versions not stated): ExAC 0.00001; gnomAD exomes 0.00001.
gnomAD v4.1: 10 of 1,614,154 alleles (0.00062%); highest among the groups gnomAD compares: East Asian, 0.0022%; no homozygotes.

Submission:

Labcorp Genetics (formerly Invitae), Labcorp
Classification: Uncertain significance for Hereditary spastic paraplegia 6. Last evaluated: 2026-01-12. Review status: criteria provided, single submitter. Criteria: Invitae Variant Classification Sherloc (09022015). Collection method: clinical testing. Allele origin: germline.
Comment: This sequence change replaces valine, which is neutral and non-polar, with methionine, which is neutral and non-polar, at codon 236 of the NIPA1 protein (p.Val236Met). The frequency data for this variant in the population databases is considered unreliable, as metrics indicate poor data quality at this position in the gnomAD database. This variant has not been reported in the literature in individuals affected with NIPA1-related conditions. ClinVar contains an entry for this variant (Variation ID: 1989309). Invitae Evidence Modeling of protein sequence and biophysical properties (such as structural, functional, and spatial information, amino acid conservation, physicochemical variation, residue mobility, and thermodynamic stability) indicates that this missense variant is not expected to disrupt NIPA1 protein function with a negative predictive value of 80%. In summary, the available evidence is currently insufficient to determine the role of this variant in disease. Therefore, it has been classified as a Variant of Uncertain Significance.

NM_144599.5(NIPA1):c.706G>A (p.Val236Met)

Gene: NIPA1 (NIPA magnesium transporter 1; plus strand). Cytogenetic location: 15q11.2.
Variant type: single nucleotide variant.
Coding change: c.706G>A on transcript NM_144599.5 (MANE Select); coding-DNA position 706, G replaced by A.
Protein change: p.Val236Met; replaces valine 236 with methionine.
Molecular consequence: missense variant.
Genome position (GRCh38, 1-based): chr15:22,823,955, G>A. VCF-style: chr15-22823955-G-A. GRCh37 (hg19) VCF-style: chr15-23049113-C-T.
Other names: c.481G>A, p.Val161Met (NM_001142275.1); short protein forms V161M, V236M.
Identifiers: ClinVar variation 1989309 (VCV001989309.4), dbSNP rs766212364, ClinGen allele CA7426014.
Genomic context (GRCh38, chr15:22,823,955, plus strand): 5'-ATCTTGCATAACAACCCGTCCAGTCAGAGAGCCCTCTGCCTGTGCCTGGTACTCCTGGCC[G>A]TGCTCGGCTGCAGCATCATCGTCCAGTTCAGGTACATCAACAAGGCGCTGGAGTGCTTCG-3'
Protein context (NP_653200.2, residues 226-246): ALCLCLVLLA[Val236Met]LGCSIIVQFR